The following is an entry in ClinVar:

NM_001264.5(CDSN):c.1532C>T (p.Pro511Leu)

Genes: CDSN (corneodesmosin; minus strand), PSORS1C1 (psoriasis susceptibility 1 candidate 1; plus strand). Cytogenetic location: 6p21.33.
Variant type: single nucleotide variant.
Coding change: c.1532C>T on transcript NM_001264.5 (MANE Select); coding-DNA position 1532, C replaced by T.
Protein change: p.Pro511Leu; replaces proline 511 with leucine.
Molecular consequence: missense variant. On other transcripts: intron variant (1).
Genome position (GRCh38, 1-based): chr6:31,116,083, G>A on the plus strand (C>T on the coding strand, the complement: CDSN is on the minus strand). VCF-style: chr6-31116083-G-A. GRCh37 (hg19) VCF-style: chr6-31083860-G-A.
Other names: c.-229+1192G>A (NM_014068.3); short protein forms P511L.
Identifiers: ClinVar variation 2191245 (VCV002191245.4), dbSNP rs754267246, ClinGen allele CA3708292.

ClinVar aggregate classification (germline): Uncertain significance (1 of 4 stars; one submission).

Allele frequency attached by ClinVar (database versions not stated): gnomAD 0.00001; gnomAD exomes 0.00003; ExAC 0.00007.
gnomAD v4.1: 45 of 1,611,846 alleles (0.0028%); highest among the groups gnomAD compares: Middle Eastern, 0.052%; no homozygotes.

Submission:

Labcorp Genetics (formerly Invitae), Labcorp
Classification: Uncertain significance. Last evaluated: 2023-07-10. Review status: criteria provided, single submitter. Criteria: Invitae Variant Classification Sherloc (09022015). Collection method: clinical testing. Allele origin: germline.
Comment: Advanced modeling of protein sequence and biophysical properties (such as structural, functional, and spatial information, amino acid conservation, physicochemical variation, residue mobility, and thermodynamic stability) performed at Invitae indicates that this missense variant is not expected to disrupt CDSN protein function. ClinVar contains an entry for this variant (Variation ID: 2191245). This variant has not been reported in the literature in individuals affected with CDSN-related conditions. This variant is present in population databases (rs754267246, gnomAD 0.04%). This sequence change replaces proline, which is neutral and non-polar, with leucine, which is neutral and non-polar, at codon 511 of the CDSN protein (p.Pro511Leu). In summary, the available evidence is currently insufficient to determine the role of this variant in disease. Therefore, it has been classified as a Variant of Uncertain Significance.